The following is an entry in ClinVar:

NM_000059.4(BRCA2):c.1595_1599del (p.Glu532fs)

Gene: BRCA2 (BRCA2 DNA repair associated; plus strand). Cytogenetic location: 13q13.1.
Variant type: Deletion.
Coding change: c.1595_1599del on transcript NM_000059.4 (MANE Select); coding-DNA positions 1595 to 1599, 5 bases deleted (AAACT; older notation c.1595_1599delAAACT).
Protein change: p.Glu532fs; shifts the reading frame from glutamic acid 532.
Molecular consequence: frameshift variant.
Genome position (GRCh38, 1-based): chr13:32,333,073-32,333,077, AAACT deleted. VCF-style (leftmost placement, unchanged base first): chr13-32333072-GAAACT-G. GRCh37 (hg19) VCF-style: chr13-32907209-GAAACT-G.
Other names: 1823del5; c.1595_1599delAAACT (NM_000059.3).
Identifiers: ClinVar variation 51150 (VCV000051150.12), dbSNP rs80359291, ClinGen allele CA012550.
Genomic context (GRCh38, chr13:32,333,072, plus strand): 5'-CCTAAAGAGACTTTCAATGCAAGTTTTTCAGGTCATATGACTGATCCAAACTTTAAAAAA[GAAACT>G]GAAGCCTCTGAAAGTGGACTGGAAATACATACTGTTTGCTCACAGAAGGAGGACTCCTTA-3'

ClinVar aggregate classification (germline): Pathogenic. Review status: reviewed by expert panel (3 of 4 stars). 5 submissions from 5 submitters: Pathogenic (1). 4 of the submissions do not count toward it. Last evaluated 2016-09-08.

Conditions:
Hereditary breast ovarian cancer syndrome. Also called: Hereditary breast and ovarian cancer syndrome; Hereditary breast and ovarian cancer; Hereditary breast and ovarian cancer syndrome (HBOC); Breast and ovarian cancer; Hereditary breast and/or ovarian cancer syndrome; BRCA1- and BRCA2-Associated Hereditary Breast and Ovarian Cancer. Identifiers: Orphanet 145, MedGen C0677776, MeSH D061325, MONDO:0003582. Disease mechanism: loss of function.
Breast-ovarian cancer, familial, susceptibility to, 2 (BROVCA2). Also called: BRCA2 Hereditary Breast and Ovarian Cancer. Identifiers: Orphanet 145, MedGen C2675520, MONDO:0012933, OMIM 612555. Disease mechanism: loss of function.
Hereditary cancer-predisposing syndrome. Also called: Neoplastic Syndromes, Hereditary; Tumor predisposition; Hereditary Cancer Syndrome; Hereditary neoplastic syndrome. Identifiers: Orphanet 140162, MedGen C0027672, MeSH D009386, MONDO:0015356.

Submissions (5):

Evidence-based Network for the Interpretation of Germline Mutant Alleles (ENIGMA)
Classification: Pathogenic for Breast-ovarian cancer, familial, susceptibility to, 2. Last evaluated: 2016-09-08. Review status: reviewed by expert panel. Criteria: ENIGMA BRCA1/2 Classification Criteria (2015). Collection method: curation. Allele origin: germline.
Comment: Variant allele predicted to encode a truncated non-functional protein.

Labcorp Genetics (formerly Invitae), Labcorp
Classification: Pathogenic for Hereditary breast ovarian cancer syndrome. Last evaluated: 2023-08-10. Review status: criteria provided, single submitter. Criteria: Invitae Variant Classification Sherloc (09022015). Collection method: clinical testing. Allele origin: germline. Not counted in ClinVar's aggregate classification.
Comment: This sequence change creates a premature translational stop signal (p.Glu532Glyfs*4) in the BRCA2 gene. It is expected to result in an absent or disrupted protein product. Loss-of-function variants in BRCA2 are known to be pathogenic (PMID: 20104584). This variant is not present in population databases (gnomAD no frequency). This variant has not been reported in the literature in individuals affected with BRCA2-related conditions. ClinVar contains an entry for this variant (Variation ID: 51150). For these reasons, this variant has been classified as Pathogenic.

Ambry Genetics
Classification: Pathogenic for Hereditary cancer-predisposing syndrome. Last evaluated: 2018-11-06. Review status: criteria provided, single submitter. Criteria: Ambry Variant Classification Scheme 2023. Collection method: clinical testing. Allele origin: germline. Not counted in ClinVar's aggregate classification.
Comment: The c.1595_1599delAAACT pathogenic mutation, located in coding exon 9 of the BRCA2 gene, results from a deletion of 5 nucleotides at nucleotide positions 1595 to 1599, causing a translational frameshift with a predicted alternate stop codon (p.E532Gfs*4). This alteration is expected to result in loss of function by premature protein truncation or nonsense-mediated mRNA decay. As such, this alteration is interpreted as a disease-causing mutation.

Consortium of Investigators of Modifiers of BRCA1/2 (CIMBA), c/o University of Cambridge
Classification: Pathogenic for Breast-ovarian cancer, familial, susceptibility to, 2. Last evaluated: 2015-10-02. Review status: criteria provided, single submitter. Criteria: CIMBA Mutation Classification guidelines May 2016. Collection method: clinical testing. Allele origin: germline. Not counted in ClinVar's aggregate classification.

Breast Cancer Information Core (BIC) (BRCA2)
Classification: Pathogenic for Breast-ovarian cancer, familial 2. Last evaluated: 2000-08-16. Review status: no assertion criteria provided. Collection method: clinical testing. Allele origin: germline. Affected: yes. Observed: 1 variant allele. Not counted in ClinVar's aggregate classification.

Literature cited by the submitters: PubMed 20104584 (cited by Labcorp Genetics (formerly Invitae), Labcorp).